The following is an entry in ClinVar:

NM_002439.5(MSH3):c.2380C>G (p.Gln794Glu)

Gene: MSH3 (mutS homolog 3; plus strand). Cytogenetic location: 5q14.1.
Variant type: single nucleotide variant.
Coding change: c.2380C>G on transcript NM_002439.5 (MANE Select); coding-DNA position 2380, C replaced by G.
Protein change: p.Gln794Glu; replaces glutamine 794 with glutamic acid.
Molecular consequence: missense variant.
Genome position (GRCh38, 1-based): chr5:80,778,781, C>G. VCF-style: chr5-80778781-C-G. GRCh37 (hg19) VCF-style: chr5-80074600-C-G.
Other names: short protein forms Q794E.
Identifiers: ClinVar variation 1790437 (VCV001790437.5), dbSNP rs2546779563, ClinGen allele CA360281827.

ClinVar aggregate classification (germline): Uncertain significance. Review status: criteria provided, multiple submitters, no conflicts (2 of 4 stars). 2 submissions from 2 submitters: Uncertain significance (2). Last evaluated 2025-07-14.

Conditions:
Hereditary cancer-predisposing syndrome. Also called: Hereditary Cancer Syndrome; Hereditary neoplastic syndrome; Tumor predisposition; Neoplastic Syndromes, Hereditary. Identifiers: Orphanet 140162, MedGen C0027672, MeSH D009386, MONDO:0015356.

Submissions (2):

Ambry Genetics
Classification: Uncertain significance for Hereditary cancer-predisposing syndrome. Last evaluated: 2025-07-14. Review status: criteria provided, single submitter. Criteria: Ambry Variant Classification Scheme 2023. Collection method: clinical testing. Allele origin: germline.
Comment: The p.Q794E variant (also known as c.2380C>G), located in coding exon 17 of the MSH3 gene, results from a C to G substitution at nucleotide position 2380. The glutamine at codon 794 is replaced by glutamic acid, an amino acid with highly similar properties. This amino acid position is conserved. In addition, the in silico prediction for this alteration is inconclusive. Since supporting evidence is limited at this time, the clinical significance of this alteration remains unclear.

Labcorp Genetics (formerly Invitae), Labcorp
Classification: Uncertain significance. Last evaluated: 2025-02-09. Review status: criteria provided, single submitter. Criteria: Invitae Variant Classification Sherloc (09022015). Collection method: clinical testing. Allele origin: germline.
Comment: This sequence change replaces glutamine, which is neutral and polar, with glutamic acid, which is acidic and polar, at codon 794 of the MSH3 protein (p.Gln794Glu). This variant is not present in population databases (gnomAD no frequency). This variant has not been reported in the literature in individuals affected with MSH3-related conditions. ClinVar contains an entry for this variant (Variation ID: 1790437). An algorithm developed to predict the effect of missense changes on protein structure and function (PolyPhen-2) suggests that this variant is likely to be disruptive. In summary, the available evidence is currently insufficient to determine the role of this variant in disease. Therefore, it has been classified as a Variant of Uncertain Significance.